The following is an entry in ClinVar:

ClinVar aggregate classification (germline): Uncertain significance. Review status: criteria provided, multiple submitters, no conflicts (2 of 4 stars). 2 submissions from 2 submitters: Uncertain significance (2). Last evaluated 2025-04-01.

Allele frequency attached by ClinVar (database versions not stated): TOPMed below 0.00001; gnomAD exomes 0.00001.
gnomAD v4.1: 3 of 1,600,198 alleles (0.00019%); highest among the groups gnomAD compares: Non-Finnish European, 0.00026%; no homozygotes.

Submissions (2):

Ambry Genetics
Classification: Uncertain significance. Last evaluated: 2025-04-01. Review status: criteria provided, single submitter. Criteria: Ambry Variant Classification Scheme 2023. Collection method: clinical testing. Allele origin: germline.

Labcorp Genetics (formerly Invitae), Labcorp
Classification: Uncertain significance. Last evaluated: 2024-10-26. Review status: criteria provided, single submitter. Criteria: Invitae Variant Classification Sherloc (09022015). Collection method: clinical testing. Allele origin: germline.
Comment: This sequence change replaces glutamic acid, which is acidic and polar, with lysine, which is basic and polar, at codon 58 of the NAF1 protein (p.Glu58Lys). This variant is present in population databases (no rsID available, gnomAD 0.001%). This variant has not been reported in the literature in individuals affected with NAF1-related conditions. An algorithm developed to predict the effect of missense changes on protein structure and function (PolyPhen-2) suggests that this variant is likely to be tolerated. In summary, the available evidence is currently insufficient to determine the role of this variant in disease. Therefore, it has been classified as a Variant of Uncertain Significance.

NM_138386.3(NAF1):c.172G>A (p.Glu58Lys)

Gene: NAF1 (nuclear assembly factor 1 ribonucleoprotein; minus strand). Cytogenetic location: 4q32.2.
Variant type: single nucleotide variant.
Coding change: c.172G>A on transcript NM_138386.3 (MANE Select); coding-DNA position 172, G replaced by A.
Protein change: p.Glu58Lys; replaces glutamic acid 58 with lysine.
Molecular consequence: missense variant.
Genome position (GRCh38, 1-based): chr4:163,166,556, C>T on the plus strand (G>A on the coding strand, the complement: NAF1 is on the minus strand). VCF-style: chr4-163166556-C-T. GRCh37 (hg19) VCF-style: chr4-164087708-C-T.
Other names: c.172G>A, p.Glu58Lys (NM_001128931.2); c.172G>A (NM_138386.2); short protein forms E58K.
Identifiers: ClinVar variation 2986391 (VCV002986391.4), dbSNP rs1172009428, ClinGen allele CA358661816.
Genomic context (GRCh38, chr4:163,166,556, plus strand): 5'-TCCCGGCCGCGACGGCGTTCAGAACGGGCTGCAGAGGCTGCTCCCCGGCAGGCTTAACCT[C>T]CACGGTCTGCCCAGCGTCCGGGGACCCCTCAAACGACTGTAGCGGCGGCTGTGTCCCTGG-3'
Protein context (NP_612395.2, residues 48-68): EGSPDAGQTV[Glu58Lys]VKPAGEQPLQ